The following is an entry in ClinVar:

ClinVar aggregate classification (germline): Uncertain significance (1 of 4 stars; one submission).

Allele frequency attached by ClinVar (database versions not stated): gnomAD exomes below 0.00001; gnomAD 0.00001; ExAC 0.00002; TOPMed 0.00002.
gnomAD v4.1: 7 of 1,563,606 alleles (0.00045%); highest among the groups gnomAD compares: Non-Finnish European, 0.0006%; no homozygotes.

Submission:

Labcorp Genetics (formerly Invitae), Labcorp
Classification: Uncertain significance. Last evaluated: 2023-12-07. Review status: criteria provided, single submitter. Criteria: Invitae Variant Classification Sherloc (09022015). Collection method: clinical testing. Allele origin: germline.
Comment: This sequence change creates a premature translational stop signal (p.Glu811*) in the GUCY2C gene. It is expected to result in an absent or disrupted protein product. However, the current clinical and genetic evidence is not sufficient to establish whether loss-of-function variants in GUCY2C cause disease. This variant is present in population databases (rs758523228, gnomAD 0.003%). This variant has not been reported in the literature in individuals affected with GUCY2C-related conditions. ClinVar contains an entry for this variant (Variation ID: 1502505). In summary, the available evidence is currently insufficient to determine the role of this variant in disease. Therefore, it has been classified as a Variant of Uncertain Significance.

NM_004963.4(GUCY2C):c.2431G>T (p.Glu811Ter)

Gene: GUCY2C (guanylate cyclase 2C; minus strand). Cytogenetic location: 12p12.3.
Variant type: single nucleotide variant.
Coding change: c.2431G>T on transcript NM_004963.4 (MANE Select); coding-DNA position 2431, G replaced by T.
Protein change: p.Glu811Ter; replaces glutamic acid 811 with a stop codon.
Molecular consequence: nonsense.
Genome position (GRCh38, 1-based): chr12:14,622,175, C>A on the plus strand (G>T on the coding strand, the complement: GUCY2C is on the minus strand). VCF-style: chr12-14622175-C-A. GRCh37 (hg19) VCF-style: chr12-14775109-C-A.
Other names: short protein forms E811*.
Identifiers: ClinVar variation 1502505 (VCV001502505.6), dbSNP rs758523228, ClinGen allele CA6463069.